The following is an entry in ClinVar:

NM_007186.6(CEP250):c.7251C>A (p.Ser2417=)

Gene: CEP250 (centrosomal protein 250; plus strand). Cytogenetic location: 20q11.22.
Variant type: single nucleotide variant.
Coding change: c.7251C>A on transcript NM_007186.6 (MANE Select); coding-DNA position 7251, C replaced by A.
Protein change: p.Ser2417=; no amino-acid change (serine 2417 retained).
Molecular consequence: synonymous variant.
Genome position (GRCh38, 1-based): chr20:35,511,548, C>A. VCF-style: chr20-35511548-C-A. GRCh37 (hg19) VCF-style: chr20-34099377-C-A.
Other names: c.5355C>A, p.Ser1785= (NM_001318219.1).
Identifiers: ClinVar variation 3034842 (VCV003034842.2), dbSNP rs2516405460, ClinGen allele CA510484914.

ClinVar aggregate classification (germline): Likely benign (0 of 4 stars; one submission).

Conditions:
CEP250-related disorder. Also called: CEP250-related condition.

Submission:

PreventionGenetics, part of Exact Sciences
Classification: Likely benign for CEP250-related condition. Last evaluated: 2019-09-19. Review status: no assertion criteria provided. Collection method: clinical testing. Allele origin: germline.
Comment: This variant is classified as likely benign based on ACMG/AMP sequence variant interpretation guidelines (Richards et al. 2015 PMID: 25741868, with internal and published modifications).